The following is an entry in ClinVar:

ClinVar aggregate classification (germline): Conflicting classifications of pathogenicity. Review status: criteria provided, conflicting classifications (1 of 4 stars). 5 submissions from 5 submitters: Uncertain significance (2); Benign (1); Likely benign (2). Last evaluated 2025-12-11.

Conditions:
Frank-Ter Haar syndrome. Also called: Borrone di Rocco Crovato syndrome; BORRONE DERMATOCARDIOSKELETAL SYNDROME; TER HAAR SYNDROME; MELNICK-NEEDLES SYNDROME, AUTOSOMAL RECESSIVE. Identifiers: Orphanet 1266, Orphanet 137834, MedGen C1855305, MONDO:0009579, OMIM 249420.

Allele frequency attached by ClinVar (database versions not stated): 1000 Genomes Project 30x 0.00031; 1000 Genomes Project 0.00040; TOPMed 0.00096; ESP Exome Variant Server 0.00169.
gnomAD v4.1: 1,845 of 1,613,488 alleles (0.11%); highest among the groups gnomAD compares: Middle Eastern, 0.2%; 6 homozygotes.

Submissions (5):

Labcorp Genetics (formerly Invitae), Labcorp
Classification: Benign. Last evaluated: 2025-12-11. Review status: criteria provided, single submitter. Criteria: Invitae Variant Classification Sherloc (09022015). Collection method: clinical testing. Allele origin: germline.

CeGaT Center for Human Genetics Tuebingen
Classification: Likely benign. Last evaluated: 2025-05-01. Review status: criteria provided, single submitter. Criteria: CeGaT Center For Human Genetics Tuebingen Variant Classification Criteria Version 2. Collection method: clinical testing. Allele origin: germline. Affected: yes. Observed: 2 variant alleles.
Comment: SH3PXD2B: BP4, BS2

Blueprint Genetics
Classification: Likely benign. Last evaluated: 2024-11-15. Review status: criteria provided, single submitter. Criteria: ACMG Guidelines, 2015. Collection method: clinical testing. Allele origin: germline.

Illumina Laboratory Services, Illumina
Classification: Uncertain significance for Frank-Ter Haar syndrome. Last evaluated: 2018-01-13. Review status: criteria provided, single submitter. Criteria: ICSL Variant Classification Criteria 13 December 2019. Collection method: clinical testing. Allele origin: germline.

Eurofins Ntd Llc (ga)
Classification: Uncertain significance. Last evaluated: 2017-01-10. Review status: criteria provided, single submitter. Criteria: EGL Classification Definitions 2015. Collection method: clinical testing. Allele origin: germline. Observed: 1 variant allele, 1 heterozygote.

NM_001017995.3(SH3PXD2B):c.1063-7G>T

Gene: SH3PXD2B (SH3 and PX domains 2B; minus strand). Cytogenetic location: 5q35.1.
Variant type: single nucleotide variant.
Coding change: c.1063-7G>T on transcript NM_001017995.3 (MANE Select); 7 bases into the intron before coding-DNA position 1063, G replaced by T.
Molecular consequence: intron variant.
Genome position (GRCh38, 1-based): chr5:172,346,268, C>A on the plus strand (G>T on the coding strand, the complement: SH3PXD2B is on the minus strand). VCF-style: chr5-172346268-C-A. GRCh37 (hg19) VCF-style: chr5-171773272-C-A.
Other names: c.1063-7G>T (NM_001308175.2).
Identifiers: ClinVar variation 499846 (VCV000499846.43), dbSNP rs186443822, ClinGen allele CA3561302.
Genomic context (GRCh38, chr5:172,346,268, plus strand): 5'-CTCTTCCTCCACTTGGGGCGGGATGGGCGGCTTCGGCAGGTTGAGGCCTCGAGGCTGGTA[C>A]GATCACACACAGGGTTATCTCCAAGGCTAAGTGCACTCCTGCGACCCTGTGTCAGGGGGA-3'